The following is an entry in ClinVar:

NM_020549.5(CHAT):c.1511+167C>T

Gene: CHAT (choline O-acetyltransferase; plus strand). Cytogenetic location: 10q11.23.
Variant type: single nucleotide variant.
Coding change: c.1511+167C>T on transcript NM_020549.5 (MANE Select); 167 bases into the intron after coding-DNA position 1511, C replaced by T.
Molecular consequence: intron variant.
Genome position (GRCh38, 1-based): chr10:49,649,803, C>T. VCF-style: chr10-49649803-C-T. GRCh37 (hg19) VCF-style: chr10-50857849-C-T.
Other names: c.1157+167C>T (NM_020984.4, NM_020985.4, NM_020986.4 and 2 more transcripts); c.1265+167C>T (NM_001142933.2).
Identifiers: ClinVar variation 678351 (VCV000678351.1), dbSNP rs3793797, ClinGen allele CA13154227.

ClinVar aggregate classification (germline): Benign (1 of 4 stars; one submission).

Allele frequency attached by ClinVar (database versions not stated): gnomAD 0.82103 and 0.82300; TOPMed 0.82699; 1000 Genomes Project 0.82808; 1000 Genomes Project 30x 0.82917.
gnomAD v4.1: 124,513 of 151,318 alleles (82%); highest among the groups gnomAD compares: Middle Eastern, 90%; 51,371 homozygotes.

Submission:

GeneDx
Classification: Benign. Last evaluated: 2018-06-16. Review status: criteria provided, single submitter. Criteria: GeneDx Variant Classification (06012015). Collection method: clinical testing. Allele origin: germline. Affected: yes.
Comment: This variant is considered likely benign or benign based on one or more of the following criteria: it is a conservative change, it occurs at a poorly conserved position in the protein, it is predicted to be benign by multiple in silico algorithms, and/or has population frequency not consistent with disease.